The following is an entry in ClinVar:

NM_001244008.2(KIF1A):c.3990C>A (p.His1330Gln)

Gene: KIF1A (kinesin family member 1A; minus strand). Cytogenetic location: 2q37.3.
Variant type: single nucleotide variant.
Coding change: c.3990C>A on transcript NM_001244008.2 (MANE Select); coding-DNA position 3990, C replaced by A.
Protein change: p.His1330Gln; replaces histidine 1330 with glutamine.
Molecular consequence: missense variant.
Genome position (GRCh38, 1-based): chr2:240,737,080, G>T on the plus strand (C>A on the coding strand, the complement: KIF1A is on the minus strand). VCF-style: chr2-240737080-G-T. GRCh37 (hg19) VCF-style: chr2-241676497-G-T.
Other names: c.3714C>A, p.His1238Gln (NM_001320705.2, NM_001330289.2, NM_001379638.1); c.3789C>A, p.His1263Gln (NM_001330290.2, NM_001379634.1, NM_001379635.1 and 1 more transcripts); c.4065C>A, p.His1355Gln (NM_001379631.1); c.3939C>A, p.His1313Gln (NM_001379632.1); c.3963C>A, p.His1321Gln (NM_001379633.1, NM_001379642.1, NM_001379645.1); c.3801C>A, p.His1267Gln (NM_001379636.1); c.3762C>A, p.His1254Gln (NM_001379637.1, NM_001379648.1); c.3687C>A, p.His1229Gln (NM_001379639.1, NM_001379641.1, NM_001379649.1 and 5 more transcripts); and 1 more; short protein forms H1238Q, H1321Q, H1228Q, H1254Q, H1263Q, H1229Q, H1330Q, H1267Q.
Identifiers: ClinVar variation 2104648 (VCV002104648.4), dbSNP rs765021474, ClinGen allele CA351312443.

ClinVar aggregate classification (germline): Uncertain significance (1 of 4 stars; one submission).

Conditions:
Neuropathy, hereditary sensory, type 2C. Also called: Hereditary sensory and autonomic neuropathy type IIC; KIF1A-Related HSAN2 (HSAN2C). Identifiers: Orphanet 970, MedGen C3280168, MONDO:0013634, OMIM 614213.
Intellectual disability, autosomal dominant 9 (NESCAVS). Also called: NESCAV SYNDROME; KIF1A-Related Neurodevelopmental Disorder. Identifiers: Orphanet 662367, MedGen C5393830, MONDO:0013656, OMIM 614255.
Hereditary spastic paraplegia 30. Identifiers: Orphanet 101010, MedGen C5235139, MONDO:0012476.

gnomAD v4.1: 7 of 1,613,276 alleles (0.00043%); highest among the groups gnomAD compares: Non-Finnish European, 0.00059%; no homozygotes.

Submission:

Labcorp Genetics (formerly Invitae), Labcorp
Classification: Uncertain significance for Hereditary spastic paraplegia 30; Neuropathy, hereditary sensory, type 2C; Intellectual disability, autosomal dominant 9. Last evaluated: 2022-02-28. Review status: criteria provided, single submitter. Criteria: Invitae Variant Classification Sherloc (09022015). Collection method: clinical testing. Allele origin: germline.
Comment: Advanced modeling of protein sequence and biophysical properties (such as structural, functional, and spatial information, amino acid conservation, physicochemical variation, residue mobility, and thermodynamic stability) performed at Invitae indicates that this missense variant is not expected to disrupt KIF1A protein function. In summary, the available evidence is currently insufficient to determine the role of this variant in disease. Therefore, it has been classified as a Variant of Uncertain Significance. This variant has not been reported in the literature in individuals affected with KIF1A-related conditions. This sequence change replaces histidine, which is basic and polar, with glutamine, which is neutral and polar, at codon 1229 of the KIF1A protein (p.His1229Gln). This variant is not present in population databases (gnomAD no frequency).